The following is an entry in ClinVar:

NM_004855.5(PIGB):c.1151G>A (p.Trp384Ter)

Gene: PIGB (phosphatidylinositol glycan anchor biosynthesis class B; plus strand). Cytogenetic location: 15q21.3.
Variant type: single nucleotide variant.
Coding change: c.1151G>A on transcript NM_004855.5 (MANE Select); coding-DNA position 1151, G replaced by A.
Protein change: p.Trp384Ter; replaces tryptophan 384 with a stop codon.
Molecular consequence: nonsense.
Genome position (GRCh38, 1-based): chr15:55,350,726, G>A. VCF-style: chr15-55350726-G-A. GRCh37 (hg19) VCF-style: chr15-55642924-G-A.
Other names: short protein forms W384*.
Identifiers: ClinVar variation 2710308 (VCV002710308.3), dbSNP rs2543144045, ClinGen allele CA392543459.
Genomic context (GRCh38, chr15:55,350,726, plus strand): 5'-GTGTTAAGGTTCAATATGTCTATCTTCATATAGGATACTCATTAACCCACCTGAAAACAT[G>A]GAAGAAACCAGCTCTAAGTTTCCTGTTTTTATCAAATTTGTTCCTCGCCCTTTATACTGG-3'

ClinVar aggregate classification (germline): Pathogenic (1 of 4 stars; one submission).

Submission:

Labcorp Genetics (formerly Invitae), Labcorp
Classification: Pathogenic. Last evaluated: 2023-06-10. Review status: criteria provided, single submitter. Criteria: Invitae Variant Classification Sherloc (09022015). Collection method: clinical testing. Allele origin: germline.
Comment: This sequence change creates a premature translational stop signal (p.Trp384*) in the PIGB gene. It is expected to result in an absent or disrupted protein product. Loss-of-function variants in PIGB are known to be pathogenic (PMID: 31256876, 34400385). This variant is not present in population databases (gnomAD no frequency). This variant has not been reported in the literature in individuals affected with PIGB-related conditions. For these reasons, this variant has been classified as Pathogenic.

Literature cited by the submitters: PubMed 31256876; PubMed 34400385.